The following is an entry in ClinVar:

ClinVar aggregate classification (germline): Likely benign. Review status: criteria provided, multiple submitters, no conflicts (2 of 4 stars). 4 submissions from 4 submitters: Likely benign (4). Last evaluated 2024-11-26.

Allele frequency attached by ClinVar (database versions not stated): 1000 Genomes Project 30x 0.00031; 1000 Genomes Project 0.00040; ESP Exome Variant Server 0.00115; TOPMed 0.00155.

Submissions (4):

Blueprint Genetics
Classification: Likely benign. Last evaluated: 2024-11-26. Review status: criteria provided, single submitter. Criteria: ACMG Guidelines, 2015. Collection method: clinical testing. Allele origin: germline.

Women's Health and Genetics/Laboratory Corporation of America, LabCorp
Classification: Likely benign. Last evaluated: 2023-11-07. Review status: criteria provided, single submitter. Criteria: LabCorp Variant Classification Summary - May 2015. Collection method: clinical testing. Allele origin: germline.
Comment: Variant summary: CAT c.625C>T (p.His209Tyr) results in a conservative amino acid change located in the Catalase core domain (IPR011614) of the encoded protein sequence. Five of five in-silico tools predict a benign effect of the variant on protein function. The variant allele was found at a frequency of 0.002 in 1613330 control chromosomes, predominantly at a frequency of 0.0023 within the Non-Finnish European subpopulation in the gnomAD database, including 3 homozygotes suggesting a benign role. To our knowledge, no occurrence of c.625C>T in individuals affected with Acatalasia and no experimental evidence demonstrating its impact on protein function have been reported. One submitter has cited clinical-significance assessments for this variant to ClinVar after 2014 and has classified the variant as likely benign. Based on the evidence outlined above, the variant was classified as likely benign.

Labcorp Genetics (formerly Invitae), Labcorp
Classification: Likely benign. Last evaluated: 2019-12-31. Review status: criteria provided, single submitter. Criteria: Invitae Variant Classification Sherloc (09022015). Collection method: clinical testing. Allele origin: germline.

Breakthrough Genomics
Classification: Likely benign. Review status: criteria provided, single submitter. Criteria: ACMG Guidelines, 2015. Collection method: not provided. Allele origin: germline. Inheritance: Unknown mechanism. Affected: yes.

NM_001752.4(CAT):c.625C>T (p.His209Tyr)

Gene: CAT (catalase; plus strand). Cytogenetic location: 11p13.
Variant type: single nucleotide variant.
Coding change: c.625C>T on transcript NM_001752.4 (MANE Select); coding-DNA position 625, C replaced by T.
Protein change: p.His209Tyr; replaces histidine 209 with tyrosine.
Molecular consequence: missense variant.
Genome position (GRCh38, 1-based): chr11:34,453,840, C>T. VCF-style: chr11-34453840-C-T. GRCh37 (hg19) VCF-style: chr11-34475387-C-T.
Other names: short protein forms H209Y.
Identifiers: ClinVar variation 786782 (VCV000786782.7), dbSNP rs147148220, ClinGen allele CA5944382.